The following is an entry in ClinVar:

ClinVar aggregate classification (germline): Likely pathogenic. Review status: criteria provided, multiple submitters, no conflicts (2 of 4 stars). 2 submissions from 2 submitters: Likely pathogenic (2). Last evaluated 2025-05-30.

Conditions:
Glutaric aciduria, type 1. Also called: GA I; Glutaricacidemia Type 1; Glutaric acidemia type I; Glutaryl-CoA dehydrogenase deficiency; Glutaricaciduria, type I; Glutaric Acidemia Type 1. Identifiers: Orphanet 25, MedGen C0268595, MONDO:0009281, OMIM 231670.

gnomAD v4.1: 1 of 1,613,942 alleles (0.000062%); no homozygotes.

Submissions (2):

Natera, Inc.
Classification: Likely pathogenic for Glutaric acidemia type 1. Last evaluated: 2025-05-30. Review status: criteria provided, single submitter. Criteria: Natera Variant Classification Schema (03/2026). Collection method: clinical testing. Allele origin: germline.
Comment: The c.1219C>G variant in GCDH is a missense variant predicted to cause substitution of leucine to valine at amino acid 407. This variant is rare in the general population with a frequency below the threshold expected for the associated phenotype(s). This variant has been observed in one or more individuals affected with the associated recessive disease, as either homozygous or compound heterozygous with a second variant (PMID: 26316201). A different variant at the same position has been determined to be Pathogenic or Likely Pathogenic. Computational prediction algorithms indicate this variant is likely to affect gene or protein function. Given the available evidence, this variant is classified as Likely Pathogenic.

Labcorp Genetics (formerly Invitae), Labcorp
Classification: Likely pathogenic for Glutaric aciduria, type 1. Last evaluated: 2022-07-23. Review status: criteria provided, single submitter. Criteria: Invitae Variant Classification Sherloc (09022015). Collection method: clinical testing. Allele origin: germline.
Comment: This sequence change replaces leucine, which is neutral and non-polar, with valine, which is neutral and non-polar, at codon 407 of the GCDH protein (p.Leu407Val). This variant is present in population databases (no rsID available, gnomAD 0.003%). This missense change has been observed in individual(s) with glutaric aciduria type I (PMID: 26316201). Advanced modeling of protein sequence and biophysical properties (such as structural, functional, and spatial information, amino acid conservation, physicochemical variation, residue mobility, and thermodynamic stability) performed at Invitae indicates that this missense variant is expected to disrupt GCDH protein function. In summary, the currently available evidence indicates that the variant is pathogenic, but additional data are needed to prove that conclusively. Therefore, this variant has been classified as Likely Pathogenic.

Literature cited by the submitters: PubMed 26316201 (cited by Natera, Inc. and Labcorp Genetics (formerly Invitae), Labcorp).

NM_000159.4(GCDH):c.1219C>G (p.Leu407Val)

Gene: GCDH (glutaryl-CoA dehydrogenase; plus strand). Cytogenetic location: 19p13.13.
Variant type: single nucleotide variant.
Coding change: c.1219C>G on transcript NM_000159.4 (MANE Select); coding-DNA position 1219, C replaced by G.
Protein change: p.Leu407Val; replaces leucine 407 with valine.
Molecular consequence: missense variant. On other transcripts: non-coding transcript variant (2).
Genome position (GRCh38, 1-based): chr19:12,897,839, C>G. VCF-style: chr19-12897839-C-G. GRCh37 (hg19) VCF-style: chr19-13008653-C-G.
Other names: c.1219C>G (NM_000159.3); c.1219C>G, p.Leu407Val (NM_013976.5); short protein forms L407V.
Identifiers: ClinVar variation 2138251 (VCV002138251.6), dbSNP rs1568429421, ClinGen allele CA404321821.
Genomic context (GRCh38, chr19:12,897,839, plus strand): 5'-GACATGCTGGGGGGGAATGGGATTTCTGACGAGTATCACGTGATCCGGCACGCCATGAAC[C>G]TGGAGGCCGTGAACACCTACGAAGGTAGGAGCTGGACCTCAGAGGGCTCACTGAGGCCTC-3'
Protein context (NP_000150.1, residues 397-417): EYHVIRHAMN[Leu407Val]EAVNTYEGTH